The following is an entry in ClinVar:

ClinVar aggregate classification (germline): Uncertain significance. Review status: criteria provided, multiple submitters, no conflicts (2 of 4 stars). 3 submissions from 3 submitters: Uncertain significance (3). Last evaluated 2025-05-11.

Conditions:
Hypertrophic cardiomyopathy. Also called: HYPERTROPHIC MYOCARDIOPATHY. Identifiers: Orphanet 217569, MedGen C0007194, MeSH D002312, MONDO:0005045, HP:0001639.

Submissions (3):

Labcorp Genetics (formerly Invitae), Labcorp
Classification: Uncertain significance for Hypertrophic cardiomyopathy. Last evaluated: 2025-05-11. Review status: criteria provided, single submitter. Criteria: Invitae Variant Classification Sherloc (09022015). Collection method: clinical testing. Allele origin: germline.
Comment: This sequence change replaces phenylalanine, which is neutral and non-polar, with isoleucine, which is neutral and non-polar, at codon 1227 of the MYBPC3 protein (p.Phe1227Ile). This variant is not present in population databases (gnomAD no frequency). This variant has not been reported in the literature in individuals affected with MYBPC3-related conditions. ClinVar contains an entry for this variant (Variation ID: 181017). An algorithm developed to predict the effect of missense changes on protein structure and function (PolyPhen-2) suggests that this variant is likely to be disruptive. In summary, the available evidence is currently insufficient to determine the role of this variant in disease. Therefore, it has been classified as a Variant of Uncertain Significance.

All of Us Research Program, National Institutes of Health
Classification: Uncertain significance for Hypertrophic cardiomyopathy. Last evaluated: 2024-07-10. Review status: criteria provided, single submitter. Criteria: ACMG Guidelines, 2015. Collection method: clinical testing. Allele origin: germline. Inheritance: Autosomal dominant inheritance. Observed: 1 variant allele, 1 heterozygote.
Comment: This missense variant replaces phenylalanine with isoleucine at codon 1227 of the MYBPC3 protein. Computational prediction tools indicate that this variant has a deleterious impact on protein structure and function. To our knowledge, functional studies have not been reported for this variant. This variant has not been reported in individuals affected with MYBPC3-related disorders in the literature. This variant has not been identified in the general population by the Genome Aggregation Database (gnomAD). The available evidence is insufficient to determine the role of this variant in disease conclusively. Therefore, this variant is classified as a Variant of Uncertain Significance.

This study involves interpretation of variants in research participants for the purpose of population health screening. Participant phenotype was not available at the time of variant classification. Additional details can be found in publication PMID: 35346344, PMCID: PMC8962531

GeneDx
Classification: Uncertain significance. Last evaluated: 2012-11-07. Review status: criteria provided, single submitter. Criteria: GeneDx Variant Classification (06012015). Collection method: clinical testing. Allele origin: germline. Affected: yes.
Comment: p.Phe1227Ile (TTC>ATC): c.3679 T>A in exon 33 of the MYBPC3 gene (NM_000256.3). The Phe1227Ile variant in the MYBPC3 gene has not been reported as a disease-causing mutation or as a benign polymorphism to our knowledge. Phe1227Ile results in a conservative amino acid substitution of one non-polar amino acid with another at a position that is conserved in mammals. Mutations in nearby codons (Leu1219Pro, Ser1231Gly) have been reported in association with HCM, supporting the functional importance of this region of the protein. The NHLBI ESP Exome Variant Server reports Phe1227Ile was not observed in approximately 6,000 samples from individuals of European and African American backgrounds, indicating it is not a common benign variant in these populations.With the clinical and molecular information available at this time, we cannot definitively determine if Phe1227Ile is a disease-causing mutation or a rare benign variant. Mutations in the MYBPC3 gene have been reported in 20%-30% of patients with autosomal dominant familial hypertrophic cardiomyopathy, and have been reported less frequently in patients with autosomal dominant familial dilated cardiomyopathy (Cirino A et al., 2011; Hershberger R et al., 2009). The variant is found in HCM panel(s).

NM_000256.3(MYBPC3):c.3679T>A (p.Phe1227Ile)

Gene: MYBPC3 (myosin binding protein C3; minus strand). Cytogenetic location: 11p11.2.
Variant type: single nucleotide variant.
Coding change: c.3679T>A on transcript NM_000256.3 (MANE Select); coding-DNA position 3679, T replaced by A.
Protein change: p.Phe1227Ile; replaces phenylalanine 1227 with isoleucine.
Molecular consequence: missense variant.
Genome position (GRCh38, 1-based): chr11:47,332,207, A>T on the plus strand (T>A on the coding strand, the complement: MYBPC3 is on the minus strand). VCF-style: chr11-47332207-A-T. GRCh37 (hg19) VCF-style: chr11-47353758-A-T.
Other names: p.F1227I:TTC>ATC; c.3679T>A, p.Phe1227Ile (LRG_386t1); short protein forms F1227I.
Identifiers: ClinVar variation 181017 (VCV000181017.4), dbSNP rs730880599, ClinGen allele CA014601.